The following is an entry in ClinVar:

NM_001166114.2(PNPLA6):c.226G>A (p.Val76Met)

Gene: PNPLA6 (patatin like domain 6, lysophospholipase; plus strand). Cytogenetic location: 19p13.2.
Variant type: single nucleotide variant.
Coding change: c.226G>A on transcript NM_001166114.2 (MANE Select); coding-DNA position 226, G replaced by A.
Protein change: p.Val76Met; replaces valine 76 with methionine.
Molecular consequence: missense variant.
Genome position (GRCh38, 1-based): chr19:7,536,014, G>A. VCF-style: chr19-7536014-G-A. GRCh37 (hg19) VCF-style: chr19-7600900-G-A.
Other names: c.253G>A, p.Val85Met (NM_001166111.2); c.109G>A, p.Val37Met (NM_001166112.2, NM_001166113.1, NM_006702.5); short protein forms V37M, V76M, V85M.
Identifiers: ClinVar variation 1046252 (VCV001046252.8), dbSNP rs749575421, ClinGen allele CA9139371.
Genomic context (GRCh38, chr19:7,536,014, plus strand): 5'-GCCGGAGTGGCGGTGGTGGTCACGGCCGTGCTCATCCTCCTGGTGGTGCGGAGGCTGCGA[G>A]TGCCAAGTGAGCACCCGAGGGGCCCCTCTTGGGAGGCTGTATGGTGGGGGGCCCAAATGC-3'
Protein context (NP_001159586.1, residues 66-86): LILLVVRRLR[Val76Met]PKTPAPDGPR

ClinVar aggregate classification (germline): Uncertain significance (1 of 4 stars; one submission).

Conditions:
Hereditary spastic paraplegia 39 (SPG39). Also called: Spastic Paraplegia Type 39 (SPG39); SPASTIC PARAPLEGIA 39, AUTOSOMAL RECESSIVE. Identifiers: Orphanet 139480, MedGen C2677586, MONDO:0012787, OMIM 612020.

Allele frequency attached by ClinVar (database versions not stated): gnomAD exomes below 0.00001 and 0.00003; TOPMed below 0.00001; gnomAD 0.00001; ExAC 0.00003.

Submission:

Labcorp Genetics (formerly Invitae), Labcorp
Classification: Uncertain significance for Hereditary spastic paraplegia 39. Last evaluated: 2022-02-04. Review status: criteria provided, single submitter. Criteria: Invitae Variant Classification Sherloc (09022015). Collection method: clinical testing. Allele origin: germline.
Comment: This sequence change replaces valine, which is neutral and non-polar, with methionine, which is neutral and non-polar, at codon 37 of the PNPLA6 protein (p.Val37Met). In summary, the available evidence is currently insufficient to determine the role of this variant in disease. Therefore, it has been classified as a Variant of Uncertain Significance. Algorithms developed to predict the effect of missense changes on protein structure and function are either unavailable or do not agree on the potential impact of this missense change (SIFT: "Tolerated"; PolyPhen-2: "Probably Damaging"; Align-GVGD: "Class C0"). ClinVar contains an entry for this variant (Variation ID: 1046252). This variant has not been reported in the literature in individuals affected with PNPLA6-related conditions. This variant is present in population databases (rs749575421, gnomAD 0.04%).